The following is an entry in ClinVar:

ClinVar aggregate classification (germline): Uncertain significance (1 of 4 stars; one submission).

Conditions:
Primary dilated cardiomyopathy (DCM). Also called: Dilated Cardiomyopathy. Identifiers: Orphanet 217604, MedGen C0007193, MeSH D002311, MONDO:0005021, HP:0001644. Inheritance: Various modes of inheritance.

Allele frequency attached by ClinVar (database versions not stated): gnomAD exomes below 0.00001; TOPMed below 0.00001.

Submission:

Labcorp Genetics (formerly Invitae), Labcorp
Classification: Uncertain significance for Primary dilated cardiomyopathy. Last evaluated: 2022-04-03. Review status: criteria provided, single submitter. Criteria: Invitae Variant Classification Sherloc (09022015). Collection method: clinical testing. Allele origin: germline.
Comment: Algorithms developed to predict the effect of missense changes on protein structure and function (SIFT, PolyPhen-2, Align-GVGD) all suggest that this variant is likely to be tolerated. This sequence change replaces methionine, which is neutral and non-polar, with valine, which is neutral and non-polar, at codon 152 of the NEBL protein (p.Met152Val). This variant is not present in population databases (gnomAD no frequency). This variant has not been reported in the literature in individuals affected with NEBL-related conditions. In summary, the available evidence is currently insufficient to determine the role of this variant in disease. Therefore, it has been classified as a Variant of Uncertain Significance.

NM_006393.3(NEBL):c.454A>G (p.Met152Val)

Gene: NEBL (nebulette; minus strand). Cytogenetic location: 10p12.31.
Variant type: single nucleotide variant.
Coding change: c.454A>G on transcript NM_006393.3 (MANE Select); coding-DNA position 454, A replaced by G.
Protein change: p.Met152Val; replaces methionine 152 with valine.
Molecular consequence: missense variant. On other transcripts: intron variant (9).
Genome position (GRCh38, 1-based): chr10:20,880,820, T>C on the plus strand (A>G on the coding strand, the complement: NEBL is on the minus strand). VCF-style: chr10-20880820-T-C. GRCh37 (hg19) VCF-style: chr10-21169749-T-C.
Other names: c.250-67880A>G (NM_001377326.1, NM_001377327.1, NM_001377328.1); c.358-67880A>G (NM_213569.2, NM_001173484.2, NM_001377322.1); c.301-67880A>G (NM_001377324.1); c.292-67880A>G (NM_001377325.1); c.310-67880A>G (NM_001377323.1); short protein forms M152V.
Identifiers: ClinVar variation 2081290 (VCV002081290.4), dbSNP rs1845950632, ClinGen allele CA376104479.